The following is an entry in ClinVar:

NM_002796.3(PSMB4):c.520G>C (p.Gly174Arg)

Gene: PSMB4 (proteasome 20S subunit beta 4; plus strand). Cytogenetic location: 1q21.3.
Variant type: single nucleotide variant.
Coding change: c.520G>C on transcript NM_002796.3 (MANE Select); coding-DNA position 520, G replaced by C.
Protein change: p.Gly174Arg; replaces glycine 174 with arginine.
Molecular consequence: missense variant.
Genome position (GRCh38, 1-based): chr1:151,400,789, G>C. VCF-style: chr1-151400789-G-C. GRCh37 (hg19) VCF-style: chr1-151373265-G-C.
Other names: short protein forms G174R.
Identifiers: ClinVar variation 2711330 (VCV002711330.3), dbSNP rs746614860, ClinGen allele CA1090686.

ClinVar aggregate classification (germline): Uncertain significance (1 of 4 stars; one submission).

Allele frequency attached by ClinVar (database versions not stated): ExAC 0.00001; gnomAD 0.00001; gnomAD exomes 0.00001.

Submission:

Labcorp Genetics (formerly Invitae), Labcorp
Classification: Uncertain significance. Last evaluated: 2025-11-18. Review status: criteria provided, single submitter. Criteria: Invitae Variant Classification Sherloc (09022015). Collection method: clinical testing. Allele origin: germline.
Comment: This sequence change replaces glycine, which is neutral and non-polar, with arginine, which is basic and polar, at codon 174 of the PSMB4 protein (p.Gly174Arg). This variant is present in population databases (rs746614860, gnomAD 0.009%). This variant has not been reported in the literature in individuals affected with PSMB4-related conditions. ClinVar contains an entry for this variant (Variation ID: 2711330). An algorithm developed to predict the effect of missense changes on protein structure and function (PolyPhen-2) suggests that this variant is likely to be disruptive. In summary, the available evidence is currently insufficient to determine the role of this variant in disease. Therefore, it has been classified as a Variant of Uncertain Significance.